The following is an entry in ClinVar:

ClinVar aggregate classification (germline): Uncertain significance. Review status: criteria provided, multiple submitters, no conflicts (2 of 4 stars). 2 submissions from 2 submitters: Uncertain significance (2). Last evaluated 2025-06-04.

Conditions:
Hyperphosphatasia with impaired intellectual development syndrome 2. Also called: Hyperphosphatasia with intellectual disability syndrome 2; GLYCOSYLPHOSPHATIDYLINOSITOL BIOSYNTHESIS DEFECT 6. Identifiers: Orphanet 247262, MedGen C3553637, MONDO:0013882, OMIM 614749.

Allele frequency attached by ClinVar (database versions not stated): gnomAD 0.00008 and 0.00007; ExAC 0.00005; gnomAD exomes 0.00006; TOPMed 0.00006; 1000 Genomes Project below 0.00001; 1000 Genomes Project 30x 0.00031.

Submissions (2):

GeneDx
Classification: Uncertain significance. Last evaluated: 2025-06-04. Review status: criteria provided, single submitter. Criteria: GeneDx Variant Classification Process June 2021. Collection method: clinical testing. Allele origin: germline. Affected: yes.
Comment: Not observed at significant frequency in large population cohorts (gnomAD); In silico analysis suggests that this missense variant does not alter protein structure/function; Has not been previously published as pathogenic or benign to our knowledge

Labcorp Genetics (formerly Invitae), Labcorp
Classification: Uncertain significance for Hyperphosphatasia with impaired intellectual development syndrome 2. Last evaluated: 2022-10-13. Review status: criteria provided, single submitter. Criteria: Invitae Variant Classification Sherloc (09022015). Collection method: clinical testing. Allele origin: germline.
Comment: This sequence change replaces alanine, which is neutral and non-polar, with valine, which is neutral and non-polar, at codon 675 of the PIGO protein (p.Ala675Val). This variant is present in population databases (rs567641477, gnomAD 0.01%). This variant has not been reported in the literature in individuals affected with PIGO-related conditions. ClinVar contains an entry for this variant (Variation ID: 860201). Algorithms developed to predict the effect of missense changes on protein structure and function (SIFT, PolyPhen-2, Align-GVGD) all suggest that this variant is likely to be tolerated. In summary, the available evidence is currently insufficient to determine the role of this variant in disease. Therefore, it has been classified as a Variant of Uncertain Significance.

NM_032634.4(PIGO):c.2024C>T (p.Ala675Val)

Gene: PIGO (phosphatidylinositol glycan anchor biosynthesis class O; minus strand). Cytogenetic location: 9p13.3.
Variant type: single nucleotide variant.
Coding change: c.2024C>T on transcript NM_032634.4 (MANE Select); coding-DNA position 2024, C replaced by T.
Protein change: p.Ala675Val; replaces alanine 675 with valine.
Molecular consequence: missense variant. On other transcripts: intron variant (2).
Genome position (GRCh38, 1-based): chr9:35,091,863, G>A on the plus strand (C>T on the coding strand, the complement: PIGO is on the minus strand). VCF-style: chr9-35091863-G-A. GRCh37 (hg19) VCF-style: chr9-35091860-G-A.
Other names: c.1345-572C>T (NM_152850.4, NM_001201484.2); short protein forms A675V.
Identifiers: ClinVar variation 860201 (VCV000860201.8), dbSNP rs567641477, ClinGen allele CA5040524.